The following is an entry in ClinVar:

NC_000002.11:g.(?_179544193)_(179549076_?)del

Gene: TTN (titin; minus strand). Cytogenetic location: 2q31.2.
Variant type: Deletion.
Identifiers: ClinVar variation 3247298 (VCV003247298.1).

ClinVar aggregate classification (germline): Uncertain significance (1 of 4 stars; one submission).

Conditions:
Autosomal recessive limb-girdle muscular dystrophy type 2J (LGMDR10). Also called: Limb-girdle muscular dystrophy, type 2J; MUSCULAR DYSTROPHY, LIMB-GIRDLE, AUTOSOMAL RECESSIVE 10. Identifiers: Orphanet 140922, MedGen C1837342, MONDO:0012127, OMIM 608807.
Dilated cardiomyopathy 1G (CMD1G). Identifiers: Orphanet 154, MedGen C1858763, MONDO:0011400, OMIM 604145.

Submission:

Labcorp Genetics (formerly Invitae), Labcorp
Classification: Uncertain significance for Dilated cardiomyopathy 1G; Autosomal recessive limb-girdle muscular dystrophy type 2J. Last evaluated: 2023-01-26. Review status: criteria provided, single submitter. Criteria: Invitae Variant Classification Sherloc (09022015). Collection method: clinical testing. Allele origin: unknown.
Comment: This variant results in the deletion of exons 133-141 and part of exon 132 (c.32703_33665-50del) of the TTN gene. It is expected to disrupt RNA splicing and likely results in a truncated or disrupted TTN protein. This variant is located in the I band of TTN (PMID: 25589632). Truncating variants in this region have been shown to be highly prevalent in the general population and unaffected individuals (PMID: 26701604, 22335739). However, truncating variants in this region have also been reported in individuals affected with autosomal recessive centronuclear myopathy (PMID: 23975875). In summary, the available evidence is currently insufficient to determine the role of this variant in disease. Therefore, it has been classified as a Variant of Uncertain Significance. This variant has not been reported in the literature in individuals affected with TTN-related conditions.

Literature cited by the submitters: PubMed 25589632; PubMed 26701604; PubMed 22335739; PubMed 23975875.